The following is an entry in ClinVar:

ClinVar aggregate classification (germline): Uncertain significance. Review status: criteria provided, single submitter (1 of 4 stars). 2 submissions from 2 submitters: Uncertain significance (1). 1 of the submissions does not count toward it. Last evaluated 2026-01-08.

Conditions:
ANXA11-related disorder. Also called: ANXA11-related condition.

Allele frequency attached by ClinVar (database versions not stated): gnomAD exomes 0.00001 and 0.00004; ExAC 0.00004; gnomAD 0.00007 and 0.00008; TOPMed 0.00007; ESP Exome Variant Server 0.00008.
gnomAD v4.1: 70 of 1,563,874 alleles (0.0045%); highest among the groups gnomAD compares: African/African-American, 0.023%; no homozygotes.

Submissions (2):

Labcorp Genetics (formerly Invitae), Labcorp
Classification: Uncertain significance. Last evaluated: 2026-01-08. Review status: criteria provided, single submitter. Criteria: Invitae Variant Classification Sherloc (09022015). Collection method: clinical testing. Allele origin: germline.
Comment: This sequence change creates a premature translational stop signal (p.Arg327*) in the ANXA11 gene. It is expected to result in an absent or disrupted protein product. However, the current clinical and genetic evidence is not sufficient to establish whether loss-of-function variants in ANXA11 cause disease. The frequency data for this variant in the population databases is considered unreliable, as metrics indicate poor data quality at this position in the gnomAD database. This premature translational stop signal has been observed in individual(s) with amyotrophic lateral sclerosis (PMID: 37952009). ClinVar contains an entry for this variant (Variation ID: 1403760). In summary, the available evidence is currently insufficient to determine the role of this variant in disease. Therefore, it has been classified as a Variant of Uncertain Significance.

PreventionGenetics, part of Exact Sciences
Classification: Uncertain significance for ANXA11-related condition. Last evaluated: 2024-07-10. Review status: no assertion criteria provided. Collection method: clinical testing. Allele origin: germline. Not counted in ClinVar's aggregate classification.
Comment: The ANXA11 c.979C>T variant is predicted to result in premature protein termination (p.Arg327*). To our knowledge, this variant has not been reported in the literature. This variant is reported in 0.0053% of alleles in individuals of African descent in gnomAD. At this time, the clinical significance of this variant is uncertain due to the absence of conclusive functional and genetic evidence.

Literature cited by the submitters: PubMed 37952009 (cited by Labcorp Genetics (formerly Invitae), Labcorp).

NM_145868.2(ANXA11):c.979C>T (p.Arg327Ter)

Gene: ANXA11 (annexin A11; minus strand). Cytogenetic location: 10q22.3.
Variant type: single nucleotide variant.
Coding change: c.979C>T on transcript NM_145868.2 (MANE Select); coding-DNA position 979, C replaced by T.
Protein change: p.Arg327Ter; replaces arginine 327 with a stop codon.
Molecular consequence: nonsense.
Genome position (GRCh38, 1-based): chr10:80,163,584, G>A on the plus strand (C>T on the coding strand, the complement: ANXA11 is on the minus strand). VCF-style: chr10-80163584-G-A. GRCh37 (hg19) VCF-style: chr10-81923340-G-A.
Other names: c.979C>T (NM_145869.1); c.979C>T, p.Arg327Ter (NM_001157.3, NM_001278407.2, NM_001278408.2 and 1 more transcripts); c.880C>T, p.Arg294Ter (NM_001278409.2); short protein forms R327*, R294*.
Identifiers: ClinVar variation 1403760 (VCV001403760.7), dbSNP rs372305403, ClinGen allele CA5576000.
Genomic context (GRCh38, chr10:80,163,584, plus strand): 5'-GGAAAAGTACCTGAGAGAGAGAGATGAGGAGCCGCTGGAAGTGCCCTGATGTGTCGCTTC[G>A]AATGGCCTCTTCCAGGGTCTTTTTGAATTCTGAAAGGGAGAAGCAAGGAAGGTCCATCCT-3'